The following is an entry in ClinVar:

NM_016151.4(TAOK2):c.730G>A (p.Val244Met)

Gene: TAOK2 (TAO kinase 2; plus strand). Cytogenetic location: 16p11.2.
Variant type: single nucleotide variant.
Coding change: c.730G>A on transcript NM_016151.4 (MANE Select); coding-DNA position 730, G replaced by A.
Protein change: p.Val244Met; replaces valine 244 with methionine.
Molecular consequence: missense variant.
Genome position (GRCh38, 1-based): chr16:29,981,735, G>A. VCF-style: chr16-29981735-G-A. GRCh37 (hg19) VCF-style: chr16-29993056-G-A.
Other names: c.730G>A, p.Val244Met (NM_001252043.2, NM_004783.4); short protein forms V244M.
Identifiers: ClinVar variation 2723529 (VCV002723529.3), dbSNP rs1313958114, ClinGen allele CA395474152.

ClinVar aggregate classification (germline): Uncertain significance (1 of 4 stars; one submission).

Allele frequency attached by ClinVar (database versions not stated): gnomAD 0.00001; gnomAD exomes 0.00001; TOPMed 0.00002.

Submission:

Labcorp Genetics (formerly Invitae), Labcorp
Classification: Uncertain significance. Last evaluated: 2023-05-01. Review status: criteria provided, single submitter. Criteria: Invitae Variant Classification Sherloc (09022015). Collection method: clinical testing. Allele origin: germline.
Comment: This sequence change replaces valine, which is neutral and non-polar, with methionine, which is neutral and non-polar, at codon 244 of the TAOK2 protein (p.Val244Met). This variant is present in population databases (no rsID available, gnomAD 0.0009%). This variant has not been reported in the literature in individuals affected with TAOK2-related conditions. An algorithm developed to predict the effect of missense changes on protein structure and function (PolyPhen-2) suggests that this variant is likely to be tolerated. In summary, the available evidence is currently insufficient to determine the role of this variant in disease. Therefore, it has been classified as a Variant of Uncertain Significance.